The following is an entry in ClinVar:

NM_182914.3(SYNE2):c.13669T>C (p.Tyr4557His)

Gene: SYNE2 (spectrin repeat containing nuclear envelope protein 2; plus strand). Cytogenetic location: 14q23.2.
Variant type: single nucleotide variant.
Coding change: c.13669T>C on transcript NM_182914.3 (MANE Select); coding-DNA position 13669, T replaced by C.
Protein change: p.Tyr4557His; replaces tyrosine 4557 with histidine.
Molecular consequence: missense variant.
Genome position (GRCh38, 1-based): chr14:64,126,441, T>C. VCF-style: chr14-64126441-T-C. GRCh37 (hg19) VCF-style: chr14-64593159-T-C.
Other names: c.13669T>C, p.Tyr4557His (NM_015180.6); short protein forms Y4557H.
Identifiers: ClinVar variation 4801153 (VCV004801153.1).
Genomic context (GRCh38, chr14:64,126,441, plus strand): 5'-TTCCTGACCCTCAGTCAGTGCCTCAGCAGTGTGGAGGAGATGCTGGAGATGCCCAGACTT[T>C]ACAGGGAGGATGGTTCTGGCCAGCAGGTGCACTACGAGGTAGGGCACTTCTCACGAGCCC-3'
Protein context (NP_878918.2, residues 4547-4567): VEEMLEMPRL[Tyr4557His]REDGSGQQVH

ClinVar aggregate classification (germline): Uncertain significance (1 of 4 stars; one submission).

Conditions:
Emery-Dreifuss muscular dystrophy 5, autosomal dominant (EDMD5). Also called: EMERY-DREIFUSS MUSCULAR DYSTROPHY 5. Identifiers: Orphanet 261, MedGen C2751805, MONDO:0013072, OMIM 612999.

gnomAD v4.1: 10 of 1,614,006 alleles (0.00062%); highest among the groups gnomAD compares: South Asian, 0.0011%; no homozygotes.

Submission:

Labcorp Genetics (formerly Invitae), Labcorp
Classification: Uncertain significance for Emery-Dreifuss muscular dystrophy 5, autosomal dominant. Last evaluated: 2025-06-01. Review status: criteria provided, single submitter. Criteria: Invitae Variant Classification Sherloc (09022015). Collection method: clinical testing. Allele origin: germline.
Comment: This sequence change replaces tyrosine, which is neutral and polar, with histidine, which is basic and polar, at codon 4557 of the SYNE2 protein (p.Tyr4557His). This variant is not present in population databases (gnomAD no frequency). This variant has not been reported in the literature in individuals affected with SYNE2-related conditions. An algorithm developed to predict the effect of missense changes on protein structure and function (PolyPhen-2) suggests that this variant is likely to be tolerated. In summary, the available evidence is currently insufficient to determine the role of this variant in disease. Therefore, it has been classified as a Variant of Uncertain Significance.